The following is an entry in ClinVar:

NM_198253.3(TERT):c.701T>G (p.Leu234Trp)

Gene: TERT (telomerase reverse transcriptase; minus strand). Cytogenetic location: 5p15.33.
Variant type: single nucleotide variant.
Coding change: c.701T>G on transcript NM_198253.3 (MANE Select); coding-DNA position 701, T replaced by G.
Protein change: p.Leu234Trp; replaces leucine 234 with tryptophan.
Molecular consequence: missense variant. On other transcripts: non-coding transcript variant (2).
Genome position (GRCh38, 1-based): chr5:1,294,185, A>C on the plus strand (T>G on the coding strand, the complement: TERT is on the minus strand). VCF-style: chr5-1294185-A-C. GRCh37 (hg19) VCF-style: chr5-1294300-A-C.
Other names: c.701T>G, p.Leu234Trp (NM_001193376.3); short protein forms L234W.
Identifiers: ClinVar variation 3455172 (VCV003455172.1).

ClinVar aggregate classification (germline): Uncertain significance (1 of 4 stars; one submission).

Conditions:
Dyskeratosis congenita. Identifiers: Orphanet 1775, MedGen C0265965, MONDO:0015780.

Submission:

Ambry Genetics
Classification: Uncertain significance for Dyskeratosis congenita. Last evaluated: 2024-08-12. Review status: criteria provided, single submitter. Criteria: Ambry Variant Classification Scheme 2023. Collection method: clinical testing. Allele origin: germline.
Comment: The p.L234W variant (also known as c.701T>G), located in coding exon 2 of the TERT gene, results from a T to G substitution at nucleotide position 701. The leucine at codon 234 is replaced by tryptophan, an amino acid with similar properties. This amino acid position is conserved. In addition, this alteration is predicted to be tolerated by in silico analysis. Based on the available evidence, the clinical significance of this variant remains unclear.